The following is an entry in ClinVar:

NM_024577.4(SH3TC2):c.3409A>G (p.Ile1137Val)

Gene: SH3TC2 (SH3 domain and tetratricopeptide repeats 2; minus strand). Cytogenetic location: 5q32.
Variant type: single nucleotide variant.
Coding change: c.3409A>G on transcript NM_024577.4 (MANE Select); coding-DNA position 3409, A replaced by G.
Protein change: p.Ile1137Val; replaces isoleucine 1137 with valine.
Molecular consequence: missense variant.
Genome position (GRCh38, 1-based): chr5:149,008,920, T>C on the plus strand (A>G on the coding strand, the complement: SH3TC2 is on the minus strand). VCF-style: chr5-149008920-T-C. GRCh37 (hg19) VCF-style: chr5-148388483-T-C.
Other names: short protein forms I1137V.
Identifiers: ClinVar variation 946186 (VCV000946186.5), dbSNP rs913598475, ClinGen allele CA128997580.

ClinVar aggregate classification (germline): Uncertain significance (1 of 4 stars; one submission).

Conditions:
Charcot-Marie-Tooth disease type 4. Also called: Charcot-Marie-Tooth disease, type IV; Charcot-Marie-Tooth, Type 4. Identifiers: Orphanet 64749, MedGen C4082197, MONDO:0018995.

Allele frequency attached by ClinVar (database versions not stated): gnomAD exomes below 0.00001 and 0.00002; TOPMed below 0.00001; gnomAD 0.00001.

Submission:

Labcorp Genetics (formerly Invitae), Labcorp
Classification: Uncertain significance for Charcot-Marie-Tooth disease type 4. Last evaluated: 2021-11-10. Review status: criteria provided, single submitter. Criteria: Invitae Variant Classification Sherloc (09022015). Collection method: clinical testing. Allele origin: germline.
Comment: This sequence change replaces isoleucine, which is neutral and non-polar, with valine, which is neutral and non-polar, at codon 1137 of the SH3TC2 protein (p.Ile1137Val). This variant is present in population databases (no rsID available, gnomAD 0.002%). This variant has not been reported in the literature in individuals affected with SH3TC2-related conditions. ClinVar contains an entry for this variant (Variation ID: 946186). Advanced modeling of protein sequence and biophysical properties (such as structural, functional, and spatial information, amino acid conservation, physicochemical variation, residue mobility, and thermodynamic stability) performed at Invitae indicates that this missense variant is not expected to disrupt SH3TC2 protein function. Algorithms developed to predict the effect of sequence changes on RNA splicing suggest that this variant may create or strengthen a splice site. In summary, the available evidence is currently insufficient to determine the role of this variant in disease. Therefore, it has been classified as a Variant of Uncertain Significance.